The following is an entry in ClinVar:

ClinVar aggregate classification (germline): Uncertain significance (1 of 4 stars; one submission).

Allele frequency attached by ClinVar (database versions not stated): TOPMed below 0.00001.
gnomAD v4.1: 1 of 1,598,840 alleles (0.000063%); highest among the groups gnomAD compares: Non-Finnish European, 0.000085%; no homozygotes.

Submission:

GeneDx
Classification: Uncertain significance. Last evaluated: 2021-12-17. Review status: criteria provided, single submitter. Criteria: GeneDx Variant Classification Process June 2021. Collection method: clinical testing. Allele origin: germline. Affected: yes.
Comment: Not observed at significant frequency in large population cohorts (gnomAD); In silico analysis supports that this missense variant has a deleterious effect on protein structure/function; Has not been previously published as pathogenic or benign to our knowledge

NM_024729.4(MYH14):c.2106G>T (p.Lys702Asn)

Gene: MYH14 (myosin heavy chain 14; plus strand). Cytogenetic location: 19q13.33.
Variant type: single nucleotide variant.
Coding change: c.2106G>T on transcript NM_024729.4; coding-DNA position 2106, G replaced by T.
Protein change: p.Lys702Asn; replaces lysine 702 with asparagine.
Genome position (GRCh38, 1-based): chr19:50,257,483, G>T. VCF-style: chr19-50257483-G-T. GRCh37 (hg19) VCF-style: chr19-50760740-G-T.
Other names: c.2130G>T, p.Lys710Asn (NM_001077186.2); c.2229G>T, p.Lys743Asn (NM_001145809.2); short protein forms K702N, K710N, K743N.
Identifiers: ClinVar variation 1691795 (VCV001691795.2), dbSNP rs1275017833, ClinGen allele CA406944774.